The following is an entry in ClinVar:

ClinVar aggregate classification (germline): Likely benign (0 of 4 stars; one submission).

Conditions:
IQSEC2-related disorder. Also called: IQSEC2-related condition.

gnomAD v4.1: 6 of 1,205,160 alleles (0.0005%); highest among the groups gnomAD compares: Non-Finnish European, 0.00067%; no homozygotes.

Submission:

PreventionGenetics, part of Exact Sciences
Classification: Likely benign for IQSEC2-related condition. Last evaluated: 2024-06-05. Review status: no assertion criteria provided. Collection method: clinical testing. Allele origin: germline.
Comment: This variant is classified as likely benign based on ACMG/AMP sequence variant interpretation guidelines (Richards et al. 2015 PMID: 25741868, with internal and published modifications).

NM_001111125.3(IQSEC2):c.3345A>G (p.Ser1115=)

Gene: IQSEC2 (IQ motif and Sec7 domain ArfGEF 2; minus strand). Cytogenetic location: Xp11.22.
Variant type: single nucleotide variant.
Coding change: c.3345A>G on transcript NM_001111125.3 (MANE Select); coding-DNA position 3345, A replaced by G.
Protein change: p.Ser1115=; no amino-acid change (serine 1115 retained).
Molecular consequence: synonymous variant.
Genome position (GRCh38, 1-based): chrX:53,236,428, T>C on the plus strand (A>G on the coding strand, the complement: IQSEC2 is on the minus strand). VCF-style: chrX-53236428-T-C. GRCh37 (hg19) VCF-style: chrX-53265610-T-C.
Other names: c.3345A>G, p.Ser1115= (NM_001410736.1); c.2730A>G, p.Ser910= (NM_015075.2).
Identifiers: ClinVar variation 3350670 (VCV003350670.1).